The following continues an entry in ClinVar:

NM_000552.5(VWF):c.2561G>A (p.Arg854Gln)

Gene: VWF. ClinVar aggregate classification (germline): Pathogenic. Pathogenic (1).

Submissions 37 to 54 of 55:

Illumina Laboratory Services, Illumina
Classification: Pathogenic for von Willebrand Disease. Last evaluated: 2016-06-14. Review status: criteria provided, single submitter. Criteria: ICSL Variant Classification 20161018. Collection method: clinical testing. Allele origin: germline. Not counted in ClinVar's aggregate classification.
Comment: The c.2561G>A (p.Arg854Gln) variant is found specifically in patients with type 2N von Willebrand disease (VWD) which manifests as a mild form of VWD with only moderate bleeding in homozygotes. This variant is well-documented as disease-causing for this specific type of VWD, found in up to 73% of type 2N patients to date (Casonato et al. 2013). The variant is also common among Caucasians, being found in over 1% of the general population (Goodeve et al. 2010). Across a selection of the available literature, the p.Arg854Gln variant has been reported in seven studies and found in a total of 72 patients including in 26 in a homozygous state, 12 in a compound heterozygous state and 34 in a heterozygous state in whom a second variant as not been found (Gaucher et al. 1991; Cacheris et al. 1991; Peerlinck et al. 1992; Hilbert et al. 2004; Hilbert et al. 2006; Veyradier et al. 2011; Casonato et al. 2013). The variant was absent from 906 control alleles and is reported at a frequency of 0.014 in the Puerto Rican population of the 1000 Genomes Project. Functional studies have demonstrated that the p.Arg854Gln variant results in reduced binding of FVIII and proteolysis by ADAMTS13 with a normal multimer pattern (Gaucher et al. 1991; Cacheris et al. 1991; Peerlinck et al. 1992; Hilbert et al. 2004; Hilbert et al. 2006; Skipwith et al. 2013; Wang et al. 2013). Based on the collective evidence, the p.Arg854Gln variant is classified as pathogenic for von Willebrand disease.

Eurofins Ntd Llc (ga)
Classification: Pathogenic. Last evaluated: 2015-09-14. Review status: criteria provided, single submitter. Criteria: EGL Classification Definitions 2015. Collection method: clinical testing. Allele origin: germline. Observed: 5 variant alleles, 5 heterozygotes. Not counted in ClinVar's aggregate classification.

ISTH-SSC Genomics in Thrombosis and Hemostasis, KU Leuven, Center for Molecular and Vascular Biology
Classification: Pathogenic for von Willebrand disease type 1. Review status: criteria provided, single submitter. Criteria: ACMG Guidelines, 2015. Collection method: clinical testing. Allele origin: germline. Affected: yes. Observed: 1 heterozygote. Not counted in ClinVar's aggregate classification.
Comment: Submitted to the GoldVariant database by Kathleen Freson, Center for Molecular and Vascular Biology

ISTH-SSC Genomics in Thrombosis and Hemostasis, KU Leuven, Center for Molecular and Vascular Biology
Classification: Pathogenic for von Willebrand disease type 2. Review status: criteria provided, single submitter. Criteria: ACMG Guidelines, 2015. Collection method: clinical testing. Allele origin: germline. Affected: yes. Observed: 2 heterozygotes. Clinical features observed: Low von Willebrand antigen and activity, Low factor VIII, Thrombocytopenia, Normal von Willebrand antigen and activity. Not counted in ClinVar's aggregate classification.
Comment: Submitted to GoldVariant by Kathleen Freson, Center for Molecular and Vascular Biology, Leuven, Belgium

Institute for Medical Genetics and Human Genetics, Charité - Universitätsmedizin Berlin
Classification: Pathogenic. Review status: criteria provided, single submitter. Criteria: ACMG Guidelines, 2015. Collection method: not provided. Allele origin: germline. Inheritance: Autosomal dominant inheritance. Affected: yes. Not counted in ClinVar's aggregate classification.

Juno Genomics, Hangzhou Juno Genomics, Inc
Classification: Pathogenic for von Willebrand disease type 2. Review status: criteria provided, single submitter. Criteria: ACMG Guidelines, 2015. Collection method: clinical testing. Allele origin: germline. Affected: yes. Not counted in ClinVar's aggregate classification.
Comment: Novel missense change at an amino acid residue where a different missense change determined to be pathogenic has been seen before.;Well-established in vitro or in vivo functional studies supportive of a damaging effect on the gene or gene product.;For recessive disorders, detected in trans with a pathogenic variant.;Patient's phenotype or family history is highly specific for a disease with a single genetic etiology.

UNC Molecular Genetics  Laboratory, University of North Carolina at Chapel Hill
Classification: Pathogenic for von Willebrand disease type 2. Review status: criteria provided, single submitter. Criteria: ACMG Guidelines, 2015. Collection method: research. Allele origin: germline. Affected: no. Observed: 2 variant alleles. Study: NSIGHT-NC NEXUS. Not counted in ClinVar's aggregate classification.
Comment: The (p.R854Q) variant in the VWF gene is the most frequent cause of VWD type 2N, which manifests as a mild form of VWD with only moderate bleeding in homozygotes (PMID: 20301765).

carrier finding

Angelo Bianchi Bonomi Hemophilia and Thrombosis Center, Fondazione IRCCS Ca Granda Ospedale Maggiore Policlinico
Classification: Uncertain significance for von Willebrand disease type 2. Last evaluated: 2022-04-26. Review status: no assertion criteria provided. Collection method: clinical testing. Allele origin: germline. Affected: yes. Not counted in ClinVar's aggregate classification.

Birmingham Platelet Group; University of Birmingham
Classification: Likely pathogenic for Thrombocytopenia; Abnormal bleeding. Last evaluated: 2020-05-01. Review status: no assertion criteria provided. Collection method: research. Allele origin: germline. Affected: yes. Not counted in ClinVar's aggregate classification.

Reproductive Health Research and Development, BGI Genomics
Classification: Pathogenic for von Willebrand disease, type 1. Last evaluated: 2020-01-06. Review status: no assertion criteria provided. Collection method: curation. Allele origin: germline. Not counted in ClinVar's aggregate classification.
Comment: NM_000552.3:c.2561G>A in the VWF gene has an allele frequency of 0.006 in European (Finnish) subpopulation in the gnomAD database. The p.Arg854Gln (NM_000552.3:c.2561G>A) variant in the VWF gene is the most frequent cause of von Willebrand disease (VWD) type 2N and has been reported previously in the homozygous state or in trans with another pathogenic variant in multiple unrelated individuals with autosomal recessive VWD type 2N (PMID: 1832934; 21371195; 15461624). Functional studies indicate the p.Arg854Gln variant may affect protein function (PMID: 23636243; 23426949). Taken together, we interprete this variant as Pathogenic/Likely pathogenic. ACMG/AMP Criteria applied: PM3_Strong; PS3; PP4.

OMIM
Classification: Pathogenic for VON WILLEBRAND DISEASE, TYPE 2N. Last evaluated: 2010-05-01. Review status: no assertion criteria provided. Collection method: literature only. Allele origin: germline. Not counted in ClinVar's aggregate classification.

OMIM
Classification: Pathogenic for VON WILLEBRAND DISEASE, TYPE 1. Last evaluated: 2010-05-01. Review status: no assertion criteria provided. Collection method: literature only. Allele origin: germline. Not counted in ClinVar's aggregate classification.

Academic Unit of Haematology, University of Sheffield
No classification provided. Review status: no classification provided. Collection method: not provided. Allele origin: not provided. Not counted in ClinVar's aggregate classification.

Clinical Genetics DNA and cytogenetics Diagnostics Lab, Erasmus MC, Erasmus Medical Center
Classification: Pathogenic. Review status: no assertion criteria provided. Collection method: clinical testing. Allele origin: germline. Affected: yes. Study: VKGL Data-share Consensus. Not counted in ClinVar's aggregate classification.

Department of Pathology and Laboratory Medicine, Sinai Health System
Classification: Pathogenic. Review status: no assertion criteria provided. Collection method: clinical testing. Allele origin: unknown. Affected: yes. Study: The Canadian Open Genetics Repository (COGR). Not counted in ClinVar's aggregate classification.
Comment: The VWF p.R854Q variant was identified in multiple homozygous or compound heterozygous individuals with autosomal recessive Von Willebrand disease (VWD) type 2N (Casonato_2016_PMID:27532107; Casonato_2007_PMID:17456630; Rodgers_2002_PMID:12162689; Cabrera_2008_PMID:18712522). The variant was identified in dbSNP (ID: rs41276738) and ClinVar (classified as pathogenic by Laboratory for Molecular Medicine, GeneDx and 11 other laboratories). The variant was identified in control databases in 980 of 282824 chromosomes (5 homozygous) at a frequency of 0.003465 (Genome Aggregation Database March 6, 2019, v2.1.1). The variant was observed in the following populations: European (Finnish) in 143 of 25122 chromosomes (freq: 0.005692), European (non-Finnish) in 690 of 129142 chromosomes (freq: 0.005343), Other in 26 of 7226 chromosomes (freq: 0.003598), Latino in 74 of 35428 chromosomes (freq: 0.002089), Ashkenazi Jewish in 10 of 10370 chromosomes (freq: 0.000964), African in 21 of 24968 chromosomes (freq: 0.000841) and South Asian in 16 of 30614 chromosomes (freq: 0.000523), but was not observed in the East Asian population. The p.Arg854 residue is conserved in mammals and computational analyses (PolyPhen-2, SIFT, AlignGVGD, BLOSUM, MutationTaster) suggest that the variant may impact the protein. The VWF gene encodes Von Willebrand factor, which interacts with coagulation factor VIII (FVIII) for hemostasis. Functional studies reveal that this variant causes significantly decreased binding between VMF and FVIII compared to wild type (Kroner_1991_PMID:1918030; Rosenberg_2002_PMID:12176890; Dagil_2019_PMID: 31349985). The variant occurs outside of the splicing consensus sequence and 3 of 4 in silico or computational prediction software programs (SpliceSiteFinder, MaxEntScan, NNSPLICE, GeneSplicer) predict a greater than 10% difference in splicing and the creation of a new 3' splice site. However, this has not been confirmed by RNA analysis. In summary, based on the above information this variant meets our laboratoryâ€šÃ„Ã´s criteria to be classified as pathogenic.

Diagnostic Laboratory, Department of Genetics, University Medical Center Groningen
Classification: Pathogenic. Review status: no assertion criteria provided. Collection method: clinical testing. Allele origin: germline. Affected: yes. Study: VKGL Data-share Consensus. Not counted in ClinVar's aggregate classification.

GeneReviews
No classification provided. Condition: von Willebrand disorder. Review status: no classification provided. Collection method: literature only. Allele origin: germline. Not counted in ClinVar's aggregate classification.

Genome Diagnostics Laboratory, Amsterdam University Medical Center
Classification: Pathogenic. Review status: no assertion criteria provided. Collection method: clinical testing. Allele origin: germline. Affected: yes. Study: VKGL Data-share Consensus. Not counted in ClinVar's aggregate classification.